The following is an entry in ClinVar:

ClinVar aggregate classification (germline): Conflicting classifications of pathogenicity. Review status: criteria provided, conflicting classifications (1 of 4 stars). 2 submissions from 2 submitters: Uncertain significance (1); Likely benign (1). Last evaluated 2024-10-11.

Conditions:
Hereditary cancer-predisposing syndrome. Also called: Tumor predisposition; Hereditary Cancer Syndrome; Hereditary neoplastic syndrome; Neoplastic Syndromes, Hereditary. Identifiers: Orphanet 140162, MedGen C0027672, MeSH D009386, MONDO:0015356.
Hereditary breast ovarian cancer syndrome. Also called: Hereditary breast and ovarian cancer syndrome; Breast and ovarian cancer; BRCA1- and BRCA2-Associated Hereditary Breast and Ovarian Cancer; Hereditary breast and ovarian cancer syndrome (HBOC); Hereditary breast and ovarian cancer; Hereditary breast and/or ovarian cancer syndrome. Identifiers: Orphanet 145, MedGen C0677776, MeSH D061325, MONDO:0003582. Disease mechanism: loss of function.

Submissions (2):

Ambry Genetics
Classification: Likely benign for Hereditary cancer-predisposing syndrome. Last evaluated: 2024-10-11. Review status: criteria provided, single submitter. Criteria: Ambry Variant Classification Scheme 2023. Collection method: clinical testing. Allele origin: germline.

Labcorp Genetics (formerly Invitae), Labcorp
Classification: Uncertain significance for Hereditary breast ovarian cancer syndrome. Last evaluated: 2022-02-15. Review status: criteria provided, single submitter. Criteria: Invitae Variant Classification Sherloc (09022015). Collection method: clinical testing. Allele origin: germline.
Comment: In summary, the available evidence is currently insufficient to determine the role of this variant in disease. Therefore, it has been classified as a Variant of Uncertain Significance. Advanced modeling of protein sequence and biophysical properties (such as structural, functional, and spatial information, amino acid conservation, physicochemical variation, residue mobility, and thermodynamic stability) performed at Invitae indicates that this missense variant is not expected to disrupt BRCA2 protein function. This variant has not been reported in the literature in individuals affected with BRCA2-related conditions. This variant is not present in population databases (gnomAD no frequency). This sequence change replaces methionine, which is neutral and non-polar, with valine, which is neutral and non-polar, at codon 124 of the BRCA2 protein (p.Met124Val).

NM_000059.4(BRCA2):c.370A>G (p.Met124Val)

Gene: BRCA2 (BRCA2 DNA repair associated; plus strand). Cytogenetic location: 13q13.1.
Variant type: single nucleotide variant.
Coding change: c.370A>G on transcript NM_000059.4 (MANE Select); coding-DNA position 370, A replaced by G.
Protein change: p.Met124Val; replaces methionine 124 with valine.
Molecular consequence: missense variant.
Genome position (GRCh38, 1-based): chr13:32,325,129, A>G. VCF-style: chr13-32325129-A-G. GRCh37 (hg19) VCF-style: chr13-32899266-A-G.
Other names: c.370A>G, p.Met124Val (NM_001406719.1, NM_001406720.1, NM_001406721.1); c.1A>G, p.Met1Val (NM_001406722.1); short protein forms M124V, M1V.
Identifiers: ClinVar variation 2089475 (VCV002089475.5), dbSNP rs397507314, ClinGen allele CA387756631.